The following is an entry in ClinVar:

ClinVar aggregate classification (germline): Likely benign (1 of 4 stars; one submission).

Conditions:
PKD1-related disorder. Also called: PKD1-related condition.

gnomAD v4.1: 28 of 1,607,470 alleles (0.0017%); highest among the groups gnomAD compares: Middle Eastern, 0.067%; no homozygotes.

Submission:

PreventionGenetics, part of Exact Sciences
Classification: Likely benign for PKD1-related condition. Last evaluated: 2025-05-23. Review status: criteria provided, single submitter. Criteria: ACMG Guidelines, 2015. Collection method: clinical testing. Allele origin: germline.
Comment: This variant is classified as likely benign based on ACMG/AMP sequence variant interpretation guidelines (Richards et al. 2015 PMID: 25741868, with internal and published modifications).

NM_001009944.3(PKD1):c.8733G>A (p.Leu2911=)

Gene: PKD1 (polycystin 1, transient receptor potential channel interacting; minus strand). Cytogenetic location: 16p13.3.
Variant type: single nucleotide variant.
Coding change: c.8733G>A on transcript NM_001009944.3 (MANE Select); coding-DNA position 8733, G replaced by A.
Protein change: p.Leu2911=; no amino-acid change (leucine 2911 retained).
Molecular consequence: synonymous variant.
Genome position (GRCh38, 1-based): chr16:2,103,324, C>T on the plus strand (G>A on the coding strand, the complement: PKD1 is on the minus strand). VCF-style: chr16-2103324-C-T. GRCh37 (hg19) VCF-style: chr16-2153325-C-T.
Other names: c.8733G>A, p.Leu2911= (NM_000296.4).
Identifiers: ClinVar variation 4989766 (VCV004989766.1).